The following is an entry in ClinVar:

NM_003470.3(USP7):c.1444G>A (p.Asp482Asn)

Gene: USP7 (ubiquitin specific peptidase 7; minus strand). Cytogenetic location: 16p13.2.
Variant type: single nucleotide variant.
Coding change: c.1444G>A on transcript NM_003470.3 (MANE Select); coding-DNA position 1444, G replaced by A.
Protein change: p.Asp482Asn; replaces aspartic acid 482 with asparagine.
Molecular consequence: missense variant. On other transcripts: non-coding transcript variant (1).
Genome position (GRCh38, 1-based): chr16:8,905,316, C>T on the plus strand (G>A on the coding strand, the complement: USP7 is on the minus strand). VCF-style: chr16-8905316-C-T. GRCh37 (hg19) VCF-style: chr16-8999173-C-T.
Other names: c.1396G>A, p.Asp466Asn (NM_001286457.2); c.1147G>A, p.Asp383Asn (NM_001286458.2); c.1270G>A, p.Asp424Asn (NM_001321858.2); short protein forms D383N, D424N, D466N, D482N.
Identifiers: ClinVar variation 4292647 (VCV004292647.1).

ClinVar aggregate classification (germline): Uncertain significance (1 of 4 stars; one submission).

Conditions:
Hao-Fountain syndrome due to USP7 mutation. Also called: USP7-Related Hao Fountain Syndrome. Identifiers: Orphanet 643538, MedGen C5816734, MONDO:0958071, OMIM 616863.

Submission:

3billion
Classification: Uncertain significance for Hao-Fountain syndrome due to USP7 mutation. Last evaluated: 2024-09-28. Review status: criteria provided, single submitter. Criteria: ACMG Guidelines, 2015. Collection method: clinical testing. Allele origin: germline. Affected: yes.
Comment: The variant is not observed in the gnomAD v4.1.0 dataset. Predicted Consequence/Location: Missense variant In silico tool predictions suggest damaging effect of the variant on gene or gene product [REVEL: 0.63 (>=0.6, sensitivity 0.68 and specificity 0.92)]. Therefore, this variant is classified as VUS according to the recommendation of ACMG/AMP guideline.